The following is an entry in ClinVar:

ClinVar aggregate classification (germline): Uncertain significance (1 of 4 stars; one submission).

Allele frequency attached by ClinVar (database versions not stated): gnomAD exomes below 0.00001.

Submission:

Labcorp Genetics (formerly Invitae), Labcorp
Classification: Uncertain significance. Last evaluated: 2022-06-10. Review status: criteria provided, single submitter. Criteria: Invitae Variant Classification Sherloc (09022015). Collection method: clinical testing. Allele origin: germline.
Comment: In summary, the available evidence is currently insufficient to determine the role of this variant in disease. Therefore, it has been classified as a Variant of Uncertain Significance. Algorithms developed to predict the effect of missense changes on protein structure and function are either unavailable or do not agree on the potential impact of this missense change (SIFT: "Deleterious"; PolyPhen-2: "Probably Damaging"; Align-GVGD: "Class C15"). This variant has not been reported in the literature in individuals affected with HERC1-related conditions. This variant is not present in population databases (gnomAD no frequency). This sequence change replaces methionine, which is neutral and non-polar, with valine, which is neutral and non-polar, at codon 3079 of the HERC1 protein (p.Met3079Val).

NM_003922.4(HERC1):c.9235A>G (p.Met3079Val)

Gene: HERC1 (HECT and RLD domain containing E3 ubiquitin protein ligase family member 1; minus strand). Cytogenetic location: 15q22.31.
Variant type: single nucleotide variant.
Coding change: c.9235A>G on transcript NM_003922.4 (MANE Select); coding-DNA position 9235, A replaced by G.
Protein change: p.Met3079Val; replaces methionine 3079 with valine.
Molecular consequence: missense variant.
Genome position (GRCh38, 1-based): chr15:63,659,925, T>C on the plus strand (A>G on the coding strand, the complement: HERC1 is on the minus strand). VCF-style: chr15-63659925-T-C. GRCh37 (hg19) VCF-style: chr15-63952124-T-C.
Other names: short protein forms M3079V.
Identifiers: ClinVar variation 2187326 (VCV002187326.2), dbSNP rs2070261658, ClinGen allele CA392760763.